The following is an entry in ClinVar:

ClinVar aggregate classification (germline): Pathogenic. Review status: reviewed by expert panel (3 of 4 stars). 6 submissions from 6 submitters: Pathogenic (1). 5 of the submissions do not count toward it. Last evaluated 2017-12-15.

Conditions:
Hereditary cancer-predisposing syndrome. Also called: Tumor predisposition; Hereditary Cancer Syndrome; Neoplastic Syndromes, Hereditary; Hereditary neoplastic syndrome. Identifiers: Orphanet 140162, MedGen C0027672, MeSH D009386, MONDO:0015356.
Hereditary breast ovarian cancer syndrome. Also called: Breast and ovarian cancer; Hereditary breast and ovarian cancer; Hereditary breast and ovarian cancer syndrome; Hereditary breast and/or ovarian cancer syndrome; BRCA1- and BRCA2-Associated Hereditary Breast and Ovarian Cancer; Hereditary breast and ovarian cancer syndrome (HBOC). Identifiers: Orphanet 145, MedGen C0677776, MeSH D061325, MONDO:0003582. Disease mechanism: loss of function.
Breast-ovarian cancer, familial, susceptibility to, 1 (BROVCA1). Also called: BRCA1 Hereditary Breast and Ovarian Cancer; OVARIAN CANCER, SUSCEPTIBILITY TO. Identifiers: Orphanet 145, MedGen C2676676, MONDO:0011450, OMIM 604370. Disease mechanism: loss of function.

Submissions (6):

Evidence-based Network for the Interpretation of Germline Mutant Alleles (ENIGMA)
Classification: Pathogenic for Breast-ovarian cancer, familial, susceptibility to, 1. Last evaluated: 2017-12-15. Review status: reviewed by expert panel. Criteria: ENIGMA BRCA1/2 Classification Criteria (2017-06-29). Collection method: curation. Allele origin: germline. Study: ENIGMA.
Comment: Variant allele predicted to encode a truncated non-functional protein.

Ambry Genetics
Classification: Pathogenic for Hereditary cancer-predisposing syndrome. Last evaluated: 2025-07-30. Review status: criteria provided, single submitter. Criteria: Ambry Variant Classification Scheme 2023. Collection method: clinical testing. Allele origin: germline. Not counted in ClinVar's aggregate classification.
Comment: The p.Q1388* pathogenic mutation (also known as c.4162C>T), located in coding exon 10 of the BRCA1 gene, results from a C to T substitution at nucleotide position 4162. This changes the amino acid from a glutamine to a stop codon within coding exon 10. This variant is considered to be rare based on population cohorts in the Genome Aggregation Database (gnomAD). This alteration is expected to result in loss of function by premature protein truncation or nonsense-mediated mRNA decay. As such, this alteration is interpreted as a disease-causing mutation.

Labcorp Genetics (formerly Invitae), Labcorp
Classification: Pathogenic for Hereditary breast ovarian cancer syndrome. Last evaluated: 2023-06-09. Review status: criteria provided, single submitter. Criteria: Invitae Variant Classification Sherloc (09022015). Collection method: clinical testing. Allele origin: germline. Not counted in ClinVar's aggregate classification.
Comment: For these reasons, this variant has been classified as Pathogenic. ClinVar contains an entry for this variant (Variation ID: 233727). This premature translational stop signal has been observed in individual(s) with ovarian cancer (PMID: 30078507). This variant is not present in population databases (gnomAD no frequency). This sequence change creates a premature translational stop signal (p.Gln1388*) in the BRCA1 gene. It is expected to result in an absent or disrupted protein product. Loss-of-function variants in BRCA1 are known to be pathogenic (PMID: 20104584).

Baylor Genetics
Classification: Pathogenic for Breast-ovarian cancer, familial, susceptibility to, 1. Last evaluated: 2022-03-27. Review status: criteria provided, single submitter. Criteria: ACMG Guidelines, 2015. Collection method: clinical testing. Allele origin: unknown. Not counted in ClinVar's aggregate classification.

Quest Diagnostics Nichols Institute San Juan Capistrano
Classification: Pathogenic. Last evaluated: 2021-07-31. Review status: criteria provided, single submitter. Criteria: Quest Diagnostics criteria. Collection method: clinical testing. Allele origin: unknown. Not counted in ClinVar's aggregate classification.
Comment: This nonsense variant causes the premature termination of BRCA1 protein synthesis. In addition, it has been reported in individuals affected with breast and/or ovarian cancer in the published literature (PMIDs: 30078507 (2018) and 32438681 (2020)). Based on the available information, this variant is classified as pathogenic.

BRCAlab, Lund University
Classification: Pathogenic for Breast-ovarian cancer, familial, susceptibility to, 1. Last evaluated: 2020-03-02. Review status: no assertion criteria provided. Collection method: clinical testing. Allele origin: germline. Affected: yes. Not counted in ClinVar's aggregate classification.

Literature cited by the submitters: PubMed 30078507 (cited by Labcorp Genetics (formerly Invitae), Labcorp and Quest Diagnostics Nichols Institute San Juan Capistrano); PubMed 20104584 (cited by Labcorp Genetics (formerly Invitae), Labcorp); PubMed 32438681 (cited by Quest Diagnostics Nichols Institute San Juan Capistrano).

NM_007294.4(BRCA1):c.4162C>T (p.Gln1388Ter)

Gene: BRCA1 (BRCA1 DNA repair associated; minus strand). Cytogenetic location: 17q21.31.
Variant type: single nucleotide variant.
Coding change: c.4162C>T on transcript NM_007294.4 (MANE Select); coding-DNA position 4162, C replaced by T.
Protein change: p.Gln1388Ter; replaces glutamine 1388 with a stop codon.
Molecular consequence: nonsense. On other transcripts: non-coding transcript variant (1).
Genome position (GRCh38, 1-based): chr17:43,090,967, G>A on the plus strand (C>T on the coding strand, the complement: BRCA1 is on the minus strand). VCF-style: chr17-43090967-G-A. GRCh37 (hg19) VCF-style: chr17-41242984-G-A.
Other names: c.3949C>T, p.Gln1317Ter (NM_001407571.1, NM_001407894.1, NM_001407915.1 and 9 more transcripts); c.4162C>T, p.Gln1388Ter (NM_001407581.1, NM_001407582.1, NM_001407583.1 and 30 more transcripts); c.4159C>T, p.Gln1387Ter (NM_001407587.1, NM_001407590.1, NM_001407591.1 and 22 more transcripts); c.4084C>T, p.Gln1362Ter (NM_001407656.1, NM_001407657.1, NM_001407658.1 and 4 more transcripts); c.4081C>T, p.Gln1361Ter (NM_001407659.1, NM_001407660.1, NM_001407661.1 and 1 more transcripts); c.4039C>T, p.Gln1347Ter (NM_001407664.1, NM_001407675.1, NM_001407676.1 and 19 more transcripts); c.4021C>T, p.Gln1341Ter (NM_001407695.1, NM_001407696.1, NM_001407697.1 and 29 more transcripts); c.4018C>T, p.Gln1340Ter (NM_001407740.1, NM_001407741.1, NM_001407742.1 and 20 more transcripts); and 41 more; short protein forms Q1388*, Q285*, Q1341*, Q1092*, Q1260*, Q1276*, Q1299*, Q1346*.
Identifiers: ClinVar variation 233727 (VCV000233727.21), dbSNP rs876660601, ClinGen allele CA10580534.